The following is an entry in ClinVar:

ClinVar aggregate classification (germline): Uncertain significance (1 of 4 stars; one submission).

Allele frequency attached by ClinVar (database versions not stated): TOPMed below 0.00001; gnomAD 0.00001.
gnomAD v4.1: 1 of 1,604,510 alleles (0.000062%); highest among the groups gnomAD compares: Non-Finnish European, 0.000085%; no homozygotes.

Submission:

Labcorp Genetics (formerly Invitae), Labcorp
Classification: Uncertain significance. Last evaluated: 2022-08-09. Review status: criteria provided, single submitter. Criteria: Invitae Variant Classification Sherloc (09022015). Collection method: clinical testing. Allele origin: germline.
Comment: This sequence change replaces glutamine, which is neutral and polar, with histidine, which is basic and polar, at codon 776 of the SI protein (p.Gln776His). In summary, the available evidence is currently insufficient to determine the role of this variant in disease. Therefore, it has been classified as a Variant of Uncertain Significance. Algorithms developed to predict the effect of missense changes on protein structure and function are either unavailable or do not agree on the potential impact of this missense change (SIFT: "Deleterious"; PolyPhen-2: "Possibly Damaging"; Align-GVGD: "Class C0"). This variant has not been reported in the literature in individuals affected with SI-related conditions. This variant is not present in population databases (gnomAD no frequency).

NM_001041.4(SI):c.2328A>C (p.Gln776His)

Gene: SI (sucrase-isomaltase; minus strand). Cytogenetic location: 3q26.1.
Variant type: single nucleotide variant.
Coding change: c.2328A>C on transcript NM_001041.4 (MANE Select); coding-DNA position 2328, A replaced by C.
Protein change: p.Gln776His; replaces glutamine 776 with histidine.
Molecular consequence: missense variant.
Genome position (GRCh38, 1-based): chr3:165,037,998, T>G on the plus strand (A>C on the coding strand, the complement: SI is on the minus strand). VCF-style: chr3-165037998-T-G. GRCh37 (hg19) VCF-style: chr3-164755786-T-G.
Other names: short protein forms Q776H.
Identifiers: ClinVar variation 1714195 (VCV001714195.3), dbSNP rs1008593221, ClinGen allele CA86536044.